The following is an entry in ClinVar:

NM_177438.3(DICER1):c.353A>T (p.Asp118Val)

Gene: DICER1 (dicer 1, ribonuclease III; minus strand). Cytogenetic location: 14q32.13.
Variant type: single nucleotide variant.
Coding change: c.353A>T on transcript NM_177438.3 (MANE Select); coding-DNA position 353, A replaced by T.
Protein change: p.Asp118Val; replaces aspartic acid 118 with valine.
Molecular consequence: missense variant. On other transcripts: intron variant (6), non-coding transcript variant (5), 5 prime UTR variant (2).
Genome position (GRCh38, 1-based): chr14:95,131,594, T>A on the plus strand (A>T on the coding strand, the complement: DICER1 is on the minus strand). VCF-style: chr14-95131594-T-A. GRCh37 (hg19) VCF-style: chr14-95597931-T-A.
Other names: c.33+921A>T (NM_001395687.1, NM_001395689.1, NM_001395688.1 and 3 more transcripts); c.353A>T, p.Asp118Val (NM_001195573.1, NM_001271282.3, NM_001291628.2 and 15 more transcripts); c.71A>T, p.Asp24Val (NM_001395686.1); c.-106A>T (NM_001395691.1); c.-1216A>T (NM_001395697.1); short protein forms D24V, D118V.
Identifiers: ClinVar variation 2897235 (VCV002897235.4), dbSNP rs1442952372, ClinGen allele CA390889242.

ClinVar aggregate classification (germline): Uncertain significance. Review status: criteria provided, multiple submitters, no conflicts (2 of 4 stars). 2 submissions from 2 submitters: Uncertain significance (2). Last evaluated 2026-07-07.

Conditions:
Hereditary cancer-predisposing syndrome. Also called: Hereditary Cancer Syndrome; Hereditary neoplastic syndrome; Neoplastic Syndromes, Hereditary; Tumor predisposition. Identifiers: Orphanet 140162, MedGen C0027672, MeSH D009386, MONDO:0015356.
DICER1-related tumor predisposition. Also called: DICER1 syndrome; DICER1-related pleuropulmonary blastoma cancer predisposition syndrome. Identifiers: Orphanet 284343, MedGen C3839822, MONDO:0100216.

gnomAD v4.1: 1 of 1,613,546 alleles (0.000062%); highest among the groups gnomAD compares: Non-Finnish European, 0.000085%; no homozygotes.

Submissions (2):

Ambry Genetics
Classification: Uncertain significance for Hereditary cancer-predisposing syndrome. Last evaluated: 2026-07-07. Review status: criteria provided, single submitter. Criteria: Ambry Variant Classification Scheme 2023. Collection method: clinical testing. Allele origin: germline.
Comment: The p.D118V variant (also known as c.353A>T), located in coding exon 3 of the DICER1 gene, results from an A to T substitution at nucleotide position 353. The aspartic acid at codon 118 is replaced by valine, an amino acid with highly dissimilar properties. This amino acid position is conserved. In addition, the in silico prediction for this alteration is inconclusive. Based on the available evidence, the clinical significance of this variant remains unclear.

Labcorp Genetics (formerly Invitae), Labcorp
Classification: Uncertain significance for DICER1-related tumor predisposition. Last evaluated: 2024-01-06. Review status: criteria provided, single submitter. Criteria: Invitae Variant Classification Sherloc (09022015). Collection method: clinical testing. Allele origin: germline.
Comment: This sequence change replaces aspartic acid, which is acidic and polar, with valine, which is neutral and non-polar, at codon 118 of the DICER1 protein (p.Asp118Val). This variant is not present in population databases (gnomAD no frequency). This variant has not been reported in the literature in individuals affected with DICER1-related conditions. Advanced modeling of protein sequence and biophysical properties (such as structural, functional, and spatial information, amino acid conservation, physicochemical variation, residue mobility, and thermodynamic stability) performed at Invitae indicates that this missense variant is expected to disrupt DICER1 protein function with a positive predictive value of 80%. In summary, the available evidence is currently insufficient to determine the role of this variant in disease. Therefore, it has been classified as a Variant of Uncertain Significance.